The following is an entry in ClinVar:

NM_001349232.2(ATG7):c.1119G>A (p.Thr373=)

Gene: ATG7 (autophagy related 7; plus strand). Cytogenetic location: 3p25.3.
Variant type: single nucleotide variant.
Coding change: c.1119G>A on transcript NM_001349232.2 (MANE Select); coding-DNA position 1119, G replaced by A.
Protein change: p.Thr373=; no amino-acid change (threonine 373 retained).
Molecular consequence: synonymous variant.
Genome position (GRCh38, 1-based): chr3:11,342,273, G>A. VCF-style: chr3-11342273-G-A. GRCh37 (hg19) VCF-style: chr3-11383747-G-A.
Other names: c.1119G>A, p.Thr373= (NM_001136031.3, NM_001349233.2, NM_001349234.2 and 3 more transcripts); c.1002G>A, p.Thr334= (NM_001144912.2, NM_001349236.2); c.186G>A, p.Thr62= (NM_001349238.2).
Identifiers: ClinVar variation 4981685 (VCV004981685.1).

ClinVar aggregate classification (germline): Likely benign (1 of 4 stars; one submission).

Conditions:
ATG7-related disorder. Also called: ATG7-related condition.

gnomAD v4.1: 110 of 1,611,768 alleles (0.0068%); highest among the groups gnomAD compares: East Asian, 0.04%; 1 homozygote.

Submission:

PreventionGenetics, part of Exact Sciences
Classification: Likely benign for ATG7-related condition. Last evaluated: 2026-03-31. Review status: criteria provided, single submitter. Criteria: ACMG Guidelines, 2015. Collection method: clinical testing. Allele origin: germline.
Comment: This variant is classified as likely benign based on ACMG/AMP sequence variant interpretation guidelines (Richards et al. 2015 PMID: 25741868, with internal and published modifications).